The following is an entry in ClinVar:

NM_021076.4(NEFH):c.2561_2562del (p.Glu854fs)

Gene: NEFH (neurofilament heavy chain; plus strand). Cytogenetic location: 22q12.2.
Variant type: Microsatellite.
Coding change: c.2561_2562del on transcript NM_021076.4 (MANE Select); coding-DNA positions 2561 to 2562, 2 bases deleted (AG; older notation c.2561_2562delAG).
Protein change: p.Glu854fs; shifts the reading frame from glutamic acid 854.
Molecular consequence: frameshift variant.
Genome position (GRCh38, 1-based): chr22:29,490,201-29,490,202, AG deleted; deleting any 2 consecutive bases within chr22:29,490,199-29,490,202 gives the same sequence; the c. name uses the placement nearest the transcript's 3' end. VCF-style (leftmost placement, unchanged base first): chr22-29490198-CAG-C. GRCh37 (hg19) VCF-style: chr22-29886187-CAG-C.
Other names: short protein forms E854fs.
Identifiers: ClinVar variation 3003411 (VCV003003411.3), dbSNP rs775700827, ClinGen allele CA10174451.

ClinVar aggregate classification (germline): Uncertain significance (1 of 4 stars; one submission).

Submission:

Labcorp Genetics (formerly Invitae), Labcorp
Classification: Uncertain significance. Last evaluated: 2025-09-16. Review status: criteria provided, single submitter. Criteria: Invitae Variant Classification Sherloc (09022015). Collection method: clinical testing. Allele origin: germline.
Comment: This sequence change creates a premature translational stop signal (p.Glu854Glyfs*37) in the NEFH gene. While this is not anticipated to result in nonsense mediated decay, it is expected to disrupt the last 167 amino acid(s) of the NEFH protein. This variant is present in population databases (rs775700827, gnomAD 0.02%). This variant has not been reported in the literature in individuals affected with NEFH-related conditions. Experimental studies and prediction algorithms are not available or were not evaluated, and the functional significance of this variant is currently unknown. In summary, the available evidence is currently insufficient to determine the role of this variant in disease. Therefore, it has been classified as a Variant of Uncertain Significance.